The following is an entry in ClinVar:

GRCh38/hg38 7p12.1-q11.22(chr7:53274059-68576213)x3

Genes: ASL (argininosuccinate lyase; plus strand), CCT6A (chaperonin containing TCP1 subunit 6A; plus strand), CHCHD2 (coiled-coil-helix-coiled-coil-helix domain containing 2; minus strand), CICP24 (capicua transcriptional repressor pseudogene 24; minus strand), CRCP (CGRP receptor component; plus strand) and 227 more. Cytogenetic location: 7p12.1-q11.22.
Variant type: copy number gain.
Change: copy number 3 (three copies instead of two) of chr7:53,274,059-68,576,213 (15.30 Mb, GRCh38 coordinates, 1-based), cytogenetic band 7p12.1-q11.22.
Identifiers: ClinVar variation 59682 (VCV000059682.1).

ClinVar aggregate classification (germline): Pathogenic (1 of 4 stars; one submission).

Submission:

ISCA site 17
Classification: Pathogenic. Last evaluated: 2011-08-12. Review status: criteria provided, single submitter. Criteria: Kaminsky et al. (Genet Med. 2011). Collection method: clinical testing. Allele origin: unknown. Affected: yes. Observed: 1 variant allele.
Comment: Copy number variation identified through the course of routine clinical cytogenomic testing in postnatal populations. Clinical assertions have been curated as described in Kaminsky et al. 2011.